The following is an entry in ClinVar:

ClinVar aggregate classification (germline): Likely benign. Review status: criteria provided, multiple submitters, no conflicts (2 of 4 stars). 6 submissions from 6 submitters: Likely benign (5). 1 of the submissions does not count toward it. Last evaluated 2025-07-08.

Conditions:
KIF1B-related disorder. Also called: KIF1B-related condition.
Charcot-Marie-Tooth disease. Also called: Charcot-Marie-Tooth Hereditary Neuropathy; Charcot-Marie-Tooth Neuropathy. Identifiers: Orphanet 166, MedGen C0007959, MONDO:0015626.
Charcot-Marie-Tooth disease type 2. Also called: Charcot-Marie-Tooth type 2. Identifiers: Orphanet 64746, MedGen C0270914, MONDO:0018993.

Allele frequency attached by ClinVar (database versions not stated): ExAC 0.00005; gnomAD exomes 0.00005 and 0.00008; gnomAD 0.00006 and 0.00007; TOPMed 0.00009; ESP Exome Variant Server 0.00015.
gnomAD v4.1: 122 of 1,613,952 alleles (0.0076%); highest among the groups gnomAD compares: Non-Finnish European, 0.01%; no homozygotes.

Submissions (6):

Labcorp Genetics (formerly Invitae), Labcorp
Classification: Likely benign for Charcot-Marie-Tooth disease type 2. Last evaluated: 2025-07-08. Review status: criteria provided, single submitter. Criteria: Invitae Variant Classification Sherloc (09022015). Collection method: clinical testing. Allele origin: germline.

CeGaT Center for Human Genetics Tuebingen
Classification: Likely benign. Last evaluated: 2025-04-01. Review status: criteria provided, single submitter. Criteria: CeGaT Center For Human Genetics Tuebingen Variant Classification Criteria Version 2. Collection method: clinical testing. Allele origin: germline. Affected: yes. Observed: 1 variant allele.
Comment: KIF1B: BP4, BP7

Blueprint Genetics
Classification: Likely benign. Last evaluated: 2023-02-03. Review status: criteria provided, single submitter. Criteria: ACMG Guidelines, 2015. Collection method: clinical testing. Allele origin: germline.

Ambry Genetics
Classification: Likely benign. Last evaluated: 2020-08-10. Review status: criteria provided, single submitter. Criteria: Ambry Variant Classification Scheme 2023. Collection method: clinical testing. Allele origin: germline.

Molecular Genetics Laboratory, London Health Sciences Centre
Classification: Likely benign for Charcot-Marie-Tooth disease. Review status: criteria provided, single submitter. Criteria: ACMG Guidelines, 2015. Collection method: clinical testing. Allele origin: germline. Affected: yes.

PreventionGenetics, part of Exact Sciences
Classification: Likely benign for KIF1B-related condition. Last evaluated: 2021-10-26. Review status: no assertion criteria provided. Collection method: clinical testing. Allele origin: germline. Not counted in ClinVar's aggregate classification.
Comment: This variant is classified as likely benign based on ACMG/AMP sequence variant interpretation guidelines (Richards et al. 2015 PMID: 25741868, with internal and published modifications).

NM_001365951.3(KIF1B):c.1557T>C (p.Asp519=)

Gene: KIF1B (kinesin family member 1B; plus strand). Cytogenetic location: 1p36.22.
Variant type: single nucleotide variant.
Coding change: c.1557T>C on transcript NM_001365951.3 (MANE Select); coding-DNA position 1557, T replaced by C.
Protein change: p.Asp519=; no amino-acid change (aspartic acid 519 retained).
Molecular consequence: synonymous variant.
Genome position (GRCh38, 1-based): chr1:10,292,089, T>C. VCF-style: chr1-10292089-T-C. GRCh37 (hg19) VCF-style: chr1-10352147-T-C.
Other names: c.1557T>C, p.Asp519= (NM_001365952.1); c.1419T>C, p.Asp473= (NM_001365953.1, NM_015074.3, NM_183416.4).
Identifiers: ClinVar variation 414912 (VCV000414912.23), dbSNP rs146364486, ClinGen allele CA581007.